The following is an entry in ClinVar:

ClinVar aggregate classification (germline): Uncertain significance (1 of 4 stars; one submission).

Conditions:
Ataxia-telangiectasia syndrome (AT). Also called: LOUIS-BAR SYNDROME; ATAXIA-TELANGIECTASIA, COMPLEMENTATION GROUP A; ATAXIA-TELANGIECTASIA, FRESNO VARIANT; Ataxia-telangiectasia, complementation group D; AT, COMPLEMENTATION GROUP C; Ataxia-telangiectasia. Identifiers: Orphanet 100, MedGen C0004135, MONDO:0008840, OMIM 208900.

Submission:

Labcorp Genetics (formerly Invitae), Labcorp
Classification: Uncertain significance for Ataxia-telangiectasia syndrome. Last evaluated: 2024-11-05. Review status: criteria provided, single submitter. Criteria: Invitae Variant Classification Sherloc (09022015). Collection method: clinical testing. Allele origin: germline.
Comment: This sequence change replaces glutamine, which is neutral and polar, with lysine, which is basic and polar, at codon 1116 of the ATM protein (p.Gln1116Lys). This variant is not present in population databases (gnomAD no frequency). This variant has not been reported in the literature in individuals affected with ATM-related conditions. Invitae Evidence Modeling of protein sequence and biophysical properties (such as structural, functional, and spatial information, amino acid conservation, physicochemical variation, residue mobility, and thermodynamic stability) indicates that this missense variant is not expected to disrupt ATM protein function with a negative predictive value of 95%. In summary, the available evidence is currently insufficient to determine the role of this variant in disease. Therefore, it has been classified as a Variant of Uncertain Significance.

NM_000051.4(ATM):c.3346C>A (p.Gln1116Lys)

Gene: ATM (ATM serine/threonine kinase; plus strand). Cytogenetic location: 11q22.3.
Variant type: single nucleotide variant.
Coding change: c.3346C>A on transcript NM_000051.4 (MANE Select); coding-DNA position 3346, C replaced by A.
Protein change: p.Gln1116Lys; replaces glutamine 1116 with lysine.
Molecular consequence: missense variant.
Genome position (GRCh38, 1-based): chr11:108,279,552, C>A. VCF-style: chr11-108279552-C-A. GRCh37 (hg19) VCF-style: chr11-108150279-C-A.
Other names: c.3346C>A, p.Gln1116Lys (NM_001351834.2); short protein forms Q1116K.
Identifiers: ClinVar variation 3671666 (VCV003671666.1).